The following is an entry in ClinVar:

ClinVar aggregate classification (germline): Uncertain significance (1 of 4 stars; one submission).

Allele frequency attached by ClinVar (database versions not stated): TOPMed 0.00001.
gnomAD v4.1: 1 of 1,613,734 alleles (0.000062%); highest among the groups gnomAD compares: Non-Finnish European, 0.000085%; no homozygotes.

Submission:

Labcorp Genetics (formerly Invitae), Labcorp
Classification: Uncertain significance. Last evaluated: 2022-10-13. Review status: criteria provided, single submitter. Criteria: Invitae Variant Classification Sherloc (09022015). Collection method: clinical testing. Allele origin: germline.
Comment: This sequence change falls in intron 71 of the USH2A gene. It does not directly change the encoded amino acid sequence of the USH2A protein. This variant is not present in population databases (gnomAD no frequency). This variant has not been reported in the literature in individuals affected with USH2A-related conditions. ClinVar contains an entry for this variant (Variation ID: 1397104). Algorithms developed to predict the effect of sequence changes on RNA splicing suggest that this variant may disrupt the consensus splice site. In summary, the available evidence is currently insufficient to determine the role of this variant in disease. Therefore, it has been classified as a Variant of Uncertain Significance.

NM_206933.4(USH2A):c.15520-8T>G

Gene: USH2A (usherin; minus strand). Cytogenetic location: 1q41.
Variant type: single nucleotide variant.
Coding change: c.15520-8T>G on transcript NM_206933.4 (MANE Select); 8 bases into the intron before coding-DNA position 15520, T replaced by G.
Molecular consequence: intron variant.
Genome position (GRCh38, 1-based): chr1:215,625,878, A>C on the plus strand (T>G on the coding strand, the complement: USH2A is on the minus strand). VCF-style: chr1-215625878-A-C. GRCh37 (hg19) VCF-style: chr1-215799220-A-C.
Identifiers: ClinVar variation 1397104 (VCV001397104.6), dbSNP rs1020138041, ClinGen allele CA37366100.
Genomic context (GRCh38, chr1:215,625,878, plus strand): 5'-GTCACTGAGCTGAAATCCTTGATGGCGTTCATCAGGTCCTCTTCATCCACATACTGAAAA[A>C]TAAGCCAATCATCATTGGCTACATACTTGCTATCAATAGTATTTGCTATCAATTTATAGT-3'